The following is an entry in ClinVar:

NM_016239.4(MYO15A):c.9743C>T (p.Pro3248Leu)

Gene: MYO15A (myosin XVA; plus strand). Cytogenetic location: 17p11.2.
Variant type: single nucleotide variant.
Coding change: c.9743C>T on transcript NM_016239.4 (MANE Select); coding-DNA position 9743, C replaced by T.
Protein change: p.Pro3248Leu; replaces proline 3248 with leucine.
Molecular consequence: missense variant.
Genome position (GRCh38, 1-based): chr17:18,163,794, C>T. VCF-style: chr17-18163794-C-T. GRCh37 (hg19) VCF-style: chr17-18067108-C-T.
Other names: short protein forms P3248L.
Identifiers: ClinVar variation 3363741 (VCV003363741.1).

ClinVar aggregate classification (germline): Uncertain significance (1 of 4 stars; one submission).

Submission:

GeneDx
Classification: Uncertain significance. Last evaluated: 2023-11-15. Review status: criteria provided, single submitter. Criteria: GeneDx Variant Classification Process June 2021. Collection method: clinical testing. Allele origin: germline. Affected: yes.
Comment: Not observed at significant frequency in large population cohorts (gnomAD); In silico analysis supports that this missense variant has a deleterious effect on protein structure/function; Has not been previously published as pathogenic or benign to our knowledge